The following is an entry in ClinVar:

NM_000238.4(KCNH2):c.2751G>A (p.Pro917=)

Gene: KCNH2 (potassium voltage-gated channel subfamily H member 2; minus strand). Cytogenetic location: 7q36.1.
Variant type: single nucleotide variant.
Coding change: c.2751G>A on transcript NM_000238.4 (MANE Select); coding-DNA position 2751, G replaced by A.
Protein change: p.Pro917=; no amino-acid change (proline 917 retained).
Molecular consequence: synonymous variant.
Genome position (GRCh38, 1-based): chr7:150,947,820, C>T on the plus strand (G>A on the coding strand, the complement: KCNH2 is on the minus strand). VCF-style: chr7-150947820-C-T. GRCh37 (hg19) VCF-style: chr7-150644908-C-T.
Other names: c.1731G>A, p.Pro577= (NM_172057.3).
Identifiers: ClinVar variation 1129100 (VCV001129100.19), dbSNP rs1404614771, ClinGen allele CA458871246.

ClinVar aggregate classification (germline): Likely benign. Review status: criteria provided, multiple submitters, no conflicts (2 of 4 stars). 7 submissions from 7 submitters: Likely benign (7). Last evaluated 2026-05-01.

Conditions:
Cardiovascular phenotype. Identifiers: MedGen CN230736.
Cardiac arrhythmia. Also called: Cardiac rhythm disease; Arrhythmia. Identifiers: MedGen C0003811, MONDO:0007263, HP:0011675.
Long QT syndrome (LQTS). Identifiers: MedGen C0023976, MeSH D008133, MONDO:0002442. Disease mechanism: loss of function. Inheritance: Various modes of inheritance.

Allele frequency attached by ClinVar (database versions not stated): gnomAD exomes 0.00002; TOPMed 0.00002; gnomAD 0.00002.
gnomAD v4.1: 11 of 1,526,070 alleles (0.00072%); highest among the groups gnomAD compares: African/African-American, 0.0041%; no homozygotes.

Submissions (7):

CeGaT Center for Human Genetics Tuebingen
Classification: Likely benign. Last evaluated: 2026-05-01. Review status: criteria provided, single submitter. Criteria: CeGaT Center For Human Genetics Tuebingen Variant Classification Criteria Version 2. Collection method: clinical testing. Allele origin: germline. Affected: yes. Observed: 1 variant allele.
Comment: KCNH2: BP4, BP7

Ambry Genetics
Classification: Likely benign for Cardiovascular phenotype. Last evaluated: 2026-02-19. Review status: criteria provided, single submitter. Criteria: Ambry Variant Classification Scheme 2023. Collection method: clinical testing. Allele origin: germline.

Labcorp Genetics (formerly Invitae), Labcorp
Classification: Likely benign for Long QT syndrome. Last evaluated: 2025-04-17. Review status: criteria provided, single submitter. Criteria: Invitae Variant Classification Sherloc (09022015). Collection method: clinical testing. Allele origin: germline.

All of Us Research Program, National Institutes of Health
Classification: Likely benign for Long QT syndrome. Last evaluated: 2024-03-24. Review status: criteria provided, single submitter. Criteria: ACMG Guidelines, 2015. Collection method: clinical testing. Allele origin: germline. Inheritance: Autosomal dominant inheritance. Observed: 3 variant alleles, 3 heterozygotes.
Comment: This study involves interpretation of variants in research participants for the purpose of population health screening. Participant phenotype was not available at the time of variant classification. Additional details can be found in publication PMID: 35346344, PMCID: PMC8962531

Blueprint Genetics
Classification: Likely benign. Last evaluated: 2024-02-28. Review status: criteria provided, single submitter. Criteria: ACMG Guidelines, 2015. Collection method: clinical testing. Allele origin: germline.

Color Diagnostics, LLC DBA Color Health
Classification: Likely benign for Cardiac arrhythmia. Last evaluated: 2021-04-29. Review status: criteria provided, single submitter. Criteria: ACMG Guidelines, 2015. Collection method: clinical testing. Allele origin: germline.

GeneDx
Classification: Likely benign. Last evaluated: 2019-03-25. Review status: criteria provided, single submitter. Criteria: GeneDx Variant Classification Process June 2021. Collection method: clinical testing. Allele origin: germline. Affected: yes.